The following is an entry in ClinVar:

NM_000548.5(TSC2):c.2820C>T (p.Leu940=)

Gene: TSC2 (TSC complex subunit 2; plus strand). Cytogenetic location: 16p13.3.
Variant type: single nucleotide variant.
Coding change: c.2820C>T on transcript NM_000548.5 (MANE Select); coding-DNA position 2820, C replaced by T.
Protein change: p.Leu940=; no amino-acid change (leucine 940 retained).
Molecular consequence: synonymous variant.
Genome position (GRCh38, 1-based): chr16:2,076,568, C>T. VCF-style: chr16-2076568-C-T. GRCh37 (hg19) VCF-style: chr16-2126569-C-T.
Other names: c.2820C>T, p.Leu940= (NM_001077183.3, NM_001114382.3, NM_001363528.2 and 3 more transcripts); c.2709C>T, p.Leu903= (NM_001318827.2); c.2673C>T, p.Leu891= (NM_001318829.2); c.2220C>T, p.Leu740= (NM_001318831.2); c.2853C>T, p.Leu951= (NM_001318832.2).
Identifiers: ClinVar variation 821856 (VCV000821856.10), dbSNP rs876659493, ClinGen allele CA492954632.

ClinVar aggregate classification (germline): Benign/Likely benign. Review status: criteria provided, multiple submitters, no conflicts (2 of 4 stars). 3 submissions from 3 submitters: Benign (1); Likely benign (2). Last evaluated 2025-05-27.

Conditions:
Hereditary cancer-predisposing syndrome. Also called: Hereditary Cancer Syndrome; Neoplastic Syndromes, Hereditary; Hereditary neoplastic syndrome; Tumor predisposition. Identifiers: Orphanet 140162, MedGen C0027672, MeSH D009386, MONDO:0015356.
Tuberous sclerosis 2 (TSC2). Identifiers: Orphanet 805, MedGen C1860707, MONDO:0013199, OMIM 613254.

Submissions (3):

Myriad Genetics, Inc.
Classification: Benign for Tuberous sclerosis 2. Last evaluated: 2025-05-27. Review status: criteria provided, single submitter. Criteria: Myriad Autosomal Dominant, Autosomal Recessive and X-Linked Classification Criteria (2023). Collection method: clinical testing. Allele origin: unknown.
Comment: This variant is considered benign. This variant is a silent/synonymous amino acid change and it is not expected to impact splicing.

Labcorp Genetics (formerly Invitae), Labcorp
Classification: Likely benign for Tuberous sclerosis 2. Last evaluated: 2025-03-29. Review status: criteria provided, single submitter. Criteria: Invitae Variant Classification Sherloc (09022015). Collection method: clinical testing. Allele origin: germline.

Ambry Genetics
Classification: Likely benign for Hereditary cancer-predisposing syndrome. Last evaluated: 2018-09-28. Review status: criteria provided, single submitter. Criteria: Ambry Variant Classification Scheme 2023. Collection method: clinical testing. Allele origin: germline.